The following is an entry in ClinVar:

ClinVar aggregate classification (germline): Uncertain significance (1 of 4 stars; one submission).

Conditions:
Juvenile polyposis syndrome (JPS). Identifiers: Orphanet 2929, MedGen C0345893, MONDO:0017380, OMIM 174900.

Submission:

Labcorp Genetics (formerly Invitae), Labcorp
Classification: Uncertain significance for Juvenile polyposis syndrome. Last evaluated: 2023-08-29. Review status: criteria provided, single submitter. Criteria: Invitae Variant Classification Sherloc (09022015). Collection method: clinical testing. Allele origin: germline.
Comment: In summary, the available evidence is currently insufficient to determine the role of this variant in disease. Therefore, it has been classified as a Variant of Uncertain Significance. Advanced modeling of protein sequence and biophysical properties (such as structural, functional, and spatial information, amino acid conservation, physicochemical variation, residue mobility, and thermodynamic stability) performed at Invitae indicates that this missense variant is not expected to disrupt BMPR1A protein function. This variant has not been reported in the literature in individuals affected with BMPR1A-related conditions. This variant is not present in population databases (gnomAD no frequency). This sequence change replaces methionine, which is neutral and non-polar, with isoleucine, which is neutral and non-polar, at codon 167 of the BMPR1A protein (p.Met167Ile).

NM_004329.3(BMPR1A):c.501G>C (p.Met167Ile)

Gene: BMPR1A (bone morphogenetic protein receptor type 1A; plus strand). Cytogenetic location: 10q23.2.
Variant type: single nucleotide variant.
Coding change: c.501G>C on transcript NM_004329.3 (MANE Select); coding-DNA position 501, G replaced by C.
Protein change: p.Met167Ile; replaces methionine 167 with isoleucine.
Molecular consequence: missense variant. On other transcripts: non-coding transcript variant (3), intron variant (1).
Genome position (GRCh38, 1-based): chr10:86,900,097, G>C. VCF-style: chr10-86900097-G-C. GRCh37 (hg19) VCF-style: chr10-88659854-G-C.
Other names: c.501G>C, p.Met167Ile (NM_001406559.1, NM_001406560.1, NM_001406561.1 and 22 more transcripts); c.333+7868G>C (NM_001406589.1); c.417G>C, p.Met139Ile (NM_001406584.1, NM_001406585.1, NM_001406586.1 and 2 more transcripts); short protein forms M167I, M139I.
Identifiers: ClinVar variation 2756275 (VCV002756275.3), dbSNP rs2539495149, ClinGen allele CA377450566.